The following is an entry in ClinVar:

NM_001378452.1(ITPR1):c.1590C>T (p.Cys530=)

Gene: ITPR1 (inositol 1,4,5-trisphosphate receptor type 1; plus strand). Cytogenetic location: 3p26.1.
Variant type: single nucleotide variant.
Coding change: c.1590C>T on transcript NM_001378452.1 (MANE Select); coding-DNA position 1590, C replaced by T.
Protein change: p.Cys530=; no amino-acid change (cysteine 530 retained).
Molecular consequence: synonymous variant.
Genome position (GRCh38, 1-based): chr3:4,665,173, C>T. VCF-style: chr3-4665173-C-T. GRCh37 (hg19) VCF-style: chr3-4706857-C-T.
Other names: c.1545C>T, p.Cys515= (NM_002222.7, NM_001168272.2); c.1590C>T, p.Cys530= (NM_001099952.4); c.1545C>T (NM_001168272.1).
Identifiers: ClinVar variation 3041350 (VCV003041350.5), dbSNP rs371013311, ClinGen allele CA2231224.
Genomic context (GRCh38, chr3:4,665,173, plus strand): 5'-TTTTGCTTTTCATTTTCACAAACAGATCTTCAAGTTGTTACAAGCCCCATTCACAGACTG[C>T]GGTGATGGCCCAATGCTTCGGCTGGAAGAGCTCGGGGACCAGCGGCACGCTCCTTTCAGA-3'
Protein context (NP_001365381.1, residues 520-540): FKLLQAPFTD[Cys530=]GDGPMLRLEE

ClinVar aggregate classification (germline): Likely benign. Review status: criteria provided, multiple submitters, no conflicts (2 of 4 stars). 4 submissions from 4 submitters: Likely benign (3). 1 of the submissions does not count toward it. Last evaluated 2025-06-22.

Conditions:
ITPR1-related disorder. Also called: ITPR1-related condition.

Allele frequency attached by ClinVar (database versions not stated): ExAC 0.00002; gnomAD exomes 0.00002; TOPMed 0.00002; gnomAD 0.00003; ESP Exome Variant Server 0.00008.
gnomAD v4.1: 35 of 1,613,980 alleles (0.0022%); highest among the groups gnomAD compares: East Asian, 0.0045%; no homozygotes.

Submissions (4):

Labcorp Genetics (formerly Invitae), Labcorp
Classification: Likely benign. Last evaluated: 2025-06-22. Review status: criteria provided, single submitter. Criteria: Invitae Variant Classification Sherloc (09022015). Collection method: clinical testing. Allele origin: germline.

Athena Diagnostics
Classification: Likely benign. Last evaluated: 2023-09-27. Review status: criteria provided, single submitter. Criteria: Athena Diagnostics Criteria. Collection method: clinical testing. Allele origin: unknown.

Blueprint Genetics
Classification: Likely benign. Last evaluated: 2023-05-17. Review status: criteria provided, single submitter. Criteria: ACMG Guidelines, 2015. Collection method: clinical testing. Allele origin: germline.

PreventionGenetics, part of Exact Sciences
Classification: Likely benign for ITPR1-related condition. Last evaluated: 2019-05-20. Review status: no assertion criteria provided. Collection method: clinical testing. Allele origin: germline. Not counted in ClinVar's aggregate classification.
Comment: This variant is classified as likely benign based on ACMG/AMP sequence variant interpretation guidelines (Richards et al. 2015 PMID: 25741868, with internal and published modifications).